The following is an entry in ClinVar:

ClinVar aggregate classification (germline): Uncertain significance (1 of 4 stars; one submission).

gnomAD v4.1: 1 of 1,194,674 alleles (0.000084%); highest among the groups gnomAD compares: Non-Finnish European, 0.00011%; no homozygotes.

Submission:

GeneDx
Classification: Uncertain significance. Last evaluated: 2026-09-02. Review status: criteria provided, single submitter. Criteria: GeneDx Variant Classification Process June 2021. Collection method: clinical testing. Allele origin: germline.
Comment: Not observed at significant frequency in large population cohorts (gnomAD); Stop codon loss and change to a Glutamine codon, leading to protein extension and the addition of 33 amino acid(s) at the C-terminus; Has not been previously published as pathogenic or benign to our knowledge

NM_002063.4(GLRA2):c.1357T>C (p.Ter453Gln)

Genes: FANCB (FA complementation group B; minus strand), GLRA2 (glycine receptor alpha 2; plus strand). Cytogenetic location: Xp22.2.
Variant type: single nucleotide variant.
Coding change: c.1357T>C on transcript NM_002063.4 (MANE Select); coding-DNA position 1357, T replaced by C.
Protein change: p.Ter453Gln.
Molecular consequence: stop lost.
Genome position (GRCh38, 1-based): chrX:14,730,483, T>C. VCF-style: chrX-14730483-T-C. GRCh37 (hg19) VCF-style: chrX-14748605-T-C.
Other names: c.1357T>C, p.Ter453Gln (NM_001118885.2, NM_001118886.2); c.1090T>C, p.Ter364Gln (NM_001171942.2).
Identifiers: ClinVar variation 4278810 (VCV004278810.2).